The following is an entry in ClinVar:

NC_000009.11:g.(?_130586635)_(130592750_?)del

Gene: ENG (endoglin; minus strand). Cytogenetic location: 9q34.11.
Variant type: Deletion.
Identifiers: ClinVar variation 1454537 (VCV001454537.4).

ClinVar aggregate classification (germline): Pathogenic (1 of 4 stars; one submission).

Conditions:
Hereditary hemorrhagic telangiectasia (HHT). Also called: ORW DISEASE; Osler Weber Rendu syndrome; OSLER-RENDU-WEBER DISEASE; Osler hemorrhagic telangiectasia syndrome. Identifiers: Orphanet 774, MedGen C0039445, MONDO:0019180. Disease mechanism: loss of function.

Submission:

Labcorp Genetics (formerly Invitae), Labcorp
Classification: Pathogenic for Hereditary hemorrhagic telangiectasia. Last evaluated: 2024-01-08. Review status: criteria provided, single submitter. Criteria: Invitae Variant Classification Sherloc (09022015). Collection method: clinical testing. Allele origin: germline.
Comment: This variant results in the deletion of exon(s) 3-7 and part of exon 8 (c.220-644_1082del) of the ENG gene. It is expected to disrupt RNA splicing. Variants that disrupt the donor or acceptor splice site typically lead to a loss of protein function (PMID: 16199547), and loss-of-function variants in ENG are known to be pathogenic (PMID: 15879500). This variant has not been reported in the literature in individuals affected with ENG-related conditions. This variant disrupts the p.Trp149 amino acid residue in ENG. Other variant(s) that disrupt this residue have been determined to be pathogenic (PMID: 9554745, 10545596, 10749981, 16690726, 22991266, 25080347). This suggests that this residue is clinically significant, and that variants that disrupt this residue are likely to be disease-causing. For these reasons, this variant has been classified as Pathogenic.

Literature cited by the submitters: PubMed 16199547; PubMed 15879500; PubMed 9554745; PubMed 10545596; PubMed 10749981; PubMed 16690726; PubMed 22991266; PubMed 25080347.